The following is an entry in ClinVar:

NM_001372044.2(SHANK3):c.3621_3622del (p.His1207fs)

Gene: SHANK3 (SH3 and multiple ankyrin repeat domains 3; plus strand). Cytogenetic location: 22q13.33.
Variant type: Microsatellite.
Coding change: c.3621_3622del on transcript NM_001372044.2 (MANE Select); coding-DNA positions 3621 to 3622, 2 bases deleted (CA; older notation c.3621_3622delCA).
Protein change: p.His1207fs; shifts the reading frame from histidine 1207.
Molecular consequence: frameshift variant.
Genome position (GRCh38, 1-based): chr22:50,721,229-50,721,230, CA deleted; deleting any 2 consecutive bases within chr22:50,721,227-50,721,230 gives the same sequence; the c. name uses the placement nearest the transcript's 3' end. VCF-style (leftmost placement, unchanged base first): chr22-50721226-GCA-G. GRCh37 (hg19) VCF-style: chr22-51159654-GCA-G.
Other names: short protein forms H1207fs.
Identifiers: ClinVar variation 4281325 (VCV004281325.7).

ClinVar aggregate classification (germline): Pathogenic (1 of 4 stars; one submission).

Submission:

CeGaT Center for Human Genetics Tuebingen
Classification: Pathogenic. Last evaluated: 2025-09-01. Review status: criteria provided, single submitter. Criteria: CeGaT Center For Human Genetics Tuebingen Variant Classification Criteria Version 2. Collection method: clinical testing. Allele origin: germline. Affected: yes. Observed: 1 variant allele.
Comment: SHANK3: PVS1, PM2